The following is an entry in ClinVar:

NM_001032283.3(TMPO):c.565+249C>A

Gene: TMPO (thymopoietin; plus strand). Cytogenetic location: 12q23.1.
Variant type: single nucleotide variant.
Coding change: c.565+249C>A on transcript NM_001032283.3 (MANE Select); 249 bases into the intron after coding-DNA position 565, C replaced by A.
Molecular consequence: intron variant.
Genome position (GRCh38, 1-based): chr12:98,532,087, C>A. VCF-style: chr12-98532087-C-A. GRCh37 (hg19) VCF-style: chr12-98925865-C-A.
Other names: c.565+249C>A (NM_003276.2, NM_001307975.2, NM_001032284.3).
Identifiers: ClinVar variation 678628 (VCV000678628.2), dbSNP rs3213900, ClinGen allele CA15744787.

ClinVar aggregate classification (germline): Benign. Review status: criteria provided, multiple submitters, no conflicts (2 of 4 stars). 2 submissions from 2 submitters: Benign (2). Last evaluated 2018-06-15.

Allele frequency attached by ClinVar (database versions not stated): gnomAD exomes 0.17523; gnomAD 0.19097 and 0.19445; TOPMed 0.19458; 1000 Genomes Project 30x 0.24625; 1000 Genomes Project 0.25160.
gnomAD v4.1: 77,990 of 428,716 alleles (18%); highest among the groups gnomAD compares: East Asian, 37%; 8,221 homozygotes.

Submissions (2):

GeneDx
Classification: Benign. Last evaluated: 2018-06-15. Review status: criteria provided, single submitter. Criteria: GeneDx Variant Classification (06012015). Collection method: clinical testing. Allele origin: germline. Affected: yes.
Comment: This variant is considered likely benign or benign based on one or more of the following criteria: it is a conservative change, it occurs at a poorly conserved position in the protein, it is predicted to be benign by multiple in silico algorithms, and/or has population frequency not consistent with disease.

Breakthrough Genomics
Classification: Benign. Review status: criteria provided, single submitter. Criteria: ACMG Guidelines, 2015. Collection method: not provided. Allele origin: germline. Inheritance: Unknown mechanism. Affected: yes.